The following is an entry in ClinVar:

NM_001142864.4(PIEZO1):c.6660G>C (p.Glu2220Asp)

Gene: PIEZO1 (piezo type mechanosensitive ion channel component 1 (Er blood group); minus strand). Cytogenetic location: 16q24.3.
Variant type: single nucleotide variant.
Coding change: c.6660G>C on transcript NM_001142864.4 (MANE Select); coding-DNA position 6660, G replaced by C.
Protein change: p.Glu2220Asp; replaces glutamic acid 2220 with aspartic acid.
Molecular consequence: missense variant.
Genome position (GRCh38, 1-based): chr16:88,717,023, C>G on the plus strand (G>C on the coding strand, the complement: PIEZO1 is on the minus strand). VCF-style: chr16-88717023-C-G. GRCh37 (hg19) VCF-style: chr16-88783431-C-G.
Other names: c.5202G>C, p.Glu1734Asp (NM_014745.1); short protein forms E2220D, E1734D.
Identifiers: ClinVar variation 2081892 (VCV002081892.6), dbSNP rs1371352403, ClinGen allele CA397078527.
Genomic context (GRCh38, chr16:88,717,023, plus strand): 5'-ACCACCTTGGCCAGAACCCCCAGGGGATGGGAATGGACAGGCGGACCCACACATGCTCAC[C>G]TCATAGCCGCCCAGCTTCAGGGTGACGGTGACATCGATGGGCTGGTTGACAACCCCAACC-3'
Protein context (NP_001136336.2, residues 2210-2230): VTVTLKLGGY[Glu2220Asp]PLFTMSAQQP

ClinVar aggregate classification (germline): Uncertain significance. Review status: criteria provided, multiple submitters, no conflicts (2 of 4 stars). 2 submissions from 2 submitters: Uncertain significance (2). Last evaluated 2024-05-29.

Allele frequency attached by ClinVar (database versions not stated): TOPMed 0.00002; gnomAD 0.00003.
gnomAD v4.1: 23 of 1,550,358 alleles (0.0015%); highest among the groups gnomAD compares: Non-Finnish European, 0.002%; no homozygotes.

Submissions (3):

Revvity Omics, Revvity
Classification: Uncertain significance. Last evaluated: 2024-05-29. Review status: criteria provided, single submitter. Criteria: ACMG Guidelines, 2015. Collection method: clinical testing. Allele origin: germline.

Labcorp Genetics (formerly Invitae), Labcorp
Classification: Uncertain significance. Last evaluated: 2022-03-11. Review status: criteria provided, single submitter. Criteria: Invitae Variant Classification Sherloc (09022015). Collection method: clinical testing. Allele origin: germline.
Comment: This sequence change affects codon 2220 of the PIEZO1 mRNA. It is a 'silent' change, meaning that it does not change the encoded amino acid sequence of the PIEZO1 protein. This variant also falls at the last nucleotide of exon 45, which is part of the consensus splice site for this exon. This variant is present in population databases (no rsID available, gnomAD 0.003%). This variant has not been reported in the literature in individuals affected with PIEZO1-related conditions. Algorithms developed to predict the effect of missense changes on protein structure and function are either unavailable or do not agree on the potential impact of this missense change (SIFT: "Tolerated"; PolyPhen-2: "Probably Damaging"; Align-GVGD: "Class C0"). Variants that disrupt the consensus splice site are a relatively common cause of aberrant splicing (PMID: 17576681, 9536098). Algorithms developed to predict the effect of sequence changes on RNA splicing suggest that this variant may create or strengthen a splice site. In summary, the available evidence is currently insufficient to determine the role of this variant in disease. Therefore, it has been classified as a Variant of Uncertain Significance.

Dr. Peter K. Rogan Lab, Western University
No classification provided (evidence only). Condition: Papillary renal cell carcinoma type 1. Review status: no classification provided. Collection method: in vitro. Allele origin: not applicable. Functional consequence: retained intron. Not counted in ClinVar's aggregate classification.

Literature cited by the submitters: PubMed 17576681 (cited by Labcorp Genetics (formerly Invitae), Labcorp); PubMed 9536098 (cited by Labcorp Genetics (formerly Invitae), Labcorp).